The following is an entry in ClinVar:

ClinVar aggregate classification (germline): Benign/Likely benign. Review status: criteria provided, multiple submitters, no conflicts (2 of 4 stars). 5 submissions from 5 submitters: Benign (1); Likely benign (3). 1 of the submissions does not count toward it. Last evaluated 2026-09-01.

Conditions:
Cardiomyopathy (CMYO). Also called: Cardiomyopathies. Identifiers: Orphanet 167848, MedGen C0878544, MONDO:0004994, HP:0001638. Inheritance: Various modes of inheritance.
Becker muscular dystrophy (BMD). Also called: MUSCULAR DYSTROPHY, PSEUDOHYPERTROPHIC PROGRESSIVE, BECKER TYPE; Becker Muscular Dystrophy (BMD). Identifiers: Orphanet 98895, MedGen C0917713, MONDO:0010311, OMIM 300376.
Duchenne muscular dystrophy (DMD). Also called: Duchenne Muscular Dystrophy (DMD); MUSCULAR DYSTROPHY, PSEUDOHYPERTROPHIC PROGRESSIVE, DUCHENNE TYPE. Identifiers: Orphanet 98896, MedGen C0013264, MONDO:0010679, OMIM 310200.
Dystrophin deficiency.
Cardiovascular phenotype. Identifiers: MedGen CN230736.

Allele frequency attached by ClinVar (database versions not stated): ExAC 0.00002; gnomAD exomes 0.00002 and 0.00003; TOPMed 0.00002; gnomAD 0.00003 and 0.00006; 1000 Genomes Project 30x 0.00021; 1000 Genomes Project 0.00026.
gnomAD v4.1: 27 of 1,205,785 alleles (0.0022%); highest among the groups gnomAD compares: South Asian, 0.027%; no homozygotes.

Submissions (5):

CeGaT Center for Human Genetics Tuebingen
Classification: Likely benign. Last evaluated: 2026-09-01. Review status: criteria provided, single submitter. Criteria: CeGaT Center For Human Genetics Tuebingen Variant Classification Criteria Version 2. Collection method: clinical testing. Allele origin: germline. Affected: yes. Observed: 1 variant allele.
Comment: DMD: BP4, BP7, BS2

Labcorp Genetics (formerly Invitae), Labcorp
Classification: Benign for Duchenne muscular dystrophy. Last evaluated: 2026-01-19. Review status: criteria provided, single submitter. Criteria: Invitae Variant Classification Sherloc (09022015). Collection method: clinical testing. Allele origin: germline.

Ambry Genetics
Classification: Likely benign for Cardiovascular phenotype. Last evaluated: 2021-01-20. Review status: criteria provided, single submitter. Criteria: Ambry Variant Classification Scheme 2023. Collection method: clinical testing. Allele origin: germline.

GeneDx
Classification: Likely benign. Last evaluated: 2018-06-04. Review status: criteria provided, single submitter. Criteria: GeneDx Variant Classification (06012015). Collection method: clinical testing. Allele origin: germline. Affected: yes.
Comment: This variant is considered likely benign or benign based on one or more of the following criteria: it is a conservative change, it occurs at a poorly conserved position in the protein, it is predicted to be benign by multiple in silico algorithms, and/or has population frequency not consistent with disease.

Natera, Inc.
Classification: Likely benign for Becker muscular dystrophy; Cardiomyopathy; Duchenne muscular dystrophy; Dystrophin deficiency. Last evaluated: 2018-07-06. Review status: no assertion criteria provided. Collection method: clinical testing. Allele origin: germline. Not counted in ClinVar's aggregate classification.

NM_004006.3(DMD):c.3636G>A (p.Ala1212=)

Gene: DMD (dystrophin; minus strand). Cytogenetic location: Xp21.1.
Variant type: single nucleotide variant.
Coding change: c.3636G>A on transcript NM_004006.3 (MANE Select); coding-DNA position 3636, G replaced by A.
Protein change: p.Ala1212=; no amino-acid change (alanine 1212 retained).
Molecular consequence: synonymous variant.
Genome position (GRCh38, 1-based): chrX:32,448,606, C>T on the plus strand (G>A on the coding strand, the complement: DMD is on the minus strand). VCF-style: chrX-32448606-C-T. GRCh37 (hg19) VCF-style: chrX-32466723-C-T.
Other names: c.3612G>A, p.Ala1204= (NM_000109.4); c.3624G>A, p.Ala1208= (NM_004009.3); c.3267G>A, p.Ala1089= (NM_004010.3).
Identifiers: ClinVar variation 668684 (VCV000668684.16), dbSNP rs769510089, ClinGen allele CA10379213.